The following is an entry in ClinVar:

NM_004006.3(DMD):c.933C>A (p.Asp311Glu)

Gene: DMD (dystrophin; minus strand). Cytogenetic location: Xp21.1.
Variant type: single nucleotide variant.
Coding change: c.933C>A on transcript NM_004006.3 (MANE Select); coding-DNA position 933, C replaced by A.
Protein change: p.Asp311Glu; replaces aspartic acid 311 with glutamic acid.
Molecular consequence: missense variant.
Genome position (GRCh38, 1-based): chrX:32,697,897, G>T on the plus strand (C>A on the coding strand, the complement: DMD is on the minus strand). VCF-style: chrX-32697897-G-T. GRCh37 (hg19) VCF-style: chrX-32716014-G-T.
Other names: c.909C>A, p.Asp303Glu (NM_000109.4); c.921C>A, p.Asp307Glu (NM_004009.3); c.564C>A, p.Asp188Glu (NM_004010.3); short protein forms D311E, D188E, D307E, D303E.
Identifiers: ClinVar variation 4738084 (VCV004738084.1).
Genomic context (GRCh38, chrX:32,697,897, plus strand): 5'-GGTTTGTACAACAGAGAGTAAATGTTGACAGACCTGTGAAGGAAATGGGCTCCGTGTAGG[G>T]TCAGAGGTGGTGACATAAGCAGCCTGTGTGTAGGCATAGCTCTTGAATCGAGGCTTAGGG-3'
Protein context (NP_003997.2, residues 301-321): YTQAAYVTTS[Asp311Glu]PTRSPFPSQH

ClinVar aggregate classification (germline): Uncertain significance (1 of 4 stars; one submission).

Conditions:
Duchenne muscular dystrophy (DMD). Also called: MUSCULAR DYSTROPHY, PSEUDOHYPERTROPHIC PROGRESSIVE, DUCHENNE TYPE; Duchenne Muscular Dystrophy (DMD). Identifiers: Orphanet 98896, MedGen C0013264, MONDO:0010679, OMIM 310200.

gnomAD v4.1: 7 of 1,208,028 alleles (0.00058%); highest among the groups gnomAD compares: Non-Finnish European, 0.00067%; no homozygotes.

Submission:

Labcorp Genetics (formerly Invitae), Labcorp
Classification: Uncertain significance for Duchenne muscular dystrophy. Last evaluated: 2025-10-01. Review status: criteria provided, single submitter. Criteria: Invitae Variant Classification Sherloc (09022015). Collection method: clinical testing. Allele origin: germline.
Comment: This sequence change replaces aspartic acid, which is acidic and polar, with glutamic acid, which is acidic and polar, at codon 311 of the DMD protein (p.Asp311Glu). The frequency data for this variant in the population databases is considered unreliable, as metrics indicate poor data quality at this position in the gnomAD database. This variant has not been reported in the literature in individuals affected with DMD-related conditions. Invitae Evidence Modeling of protein sequence and biophysical properties (such as structural, functional, and spatial information, amino acid conservation, physicochemical variation, residue mobility, and thermodynamic stability) indicates that this missense variant is not expected to disrupt DMD protein function with a negative predictive value of 95%. In summary, the available evidence is currently insufficient to determine the role of this variant in disease. Therefore, it has been classified as a Variant of Uncertain Significance.